The following is an entry in ClinVar:

ClinVar aggregate classification (germline): Uncertain significance. Review status: criteria provided, multiple submitters, no conflicts (2 of 4 stars). 2 submissions from 2 submitters: Uncertain significance (2). Last evaluated 2022-08-23.

Conditions:
Epileptic encephalopathy. Identifiers: MedGen C0543888, HP:0200134.

Allele frequency attached by ClinVar (database versions not stated): gnomAD 0.00003; TOPMed 0.00003; gnomAD exomes 0.00004; ExAC 0.00008; 1000 Genomes Project 30x 0.00016; 1000 Genomes Project 0.00020.
gnomAD v4.1: 40 of 1,531,352 alleles (0.0026%); highest among the groups gnomAD compares: South Asian, 0.0072%; no homozygotes.

Submissions (2):

Labcorp Genetics (formerly Invitae), Labcorp
Classification: Uncertain significance for Epileptic encephalopathy. Last evaluated: 2022-08-23. Review status: criteria provided, single submitter. Criteria: Invitae Variant Classification Sherloc (09022015). Collection method: clinical testing. Allele origin: germline.
Comment: In summary, the available evidence is currently insufficient to determine the role of this variant in disease. Therefore, it has been classified as a Variant of Uncertain Significance. Variants that disrupt the consensus splice site are a relatively common cause of aberrant splicing (PMID: 17576681, 9536098). Algorithms developed to predict the effect of sequence changes on RNA splicing suggest that this variant is not likely to affect RNA splicing. ClinVar contains an entry for this variant (Variation ID: 1495765). This variant has not been reported in the literature in individuals affected with FASN-related conditions. The frequency data for this variant in the population databases is considered unreliable, as metrics indicate poor data quality at this position in the gnomAD database. This sequence change falls in intron 22 of the FASN gene. It does not directly change the encoded amino acid sequence of the FASN protein. It affects a nucleotide within the consensus splice site.

Breakthrough Genomics
Classification: Uncertain significance. Review status: criteria provided, single submitter. Criteria: ACMG Guidelines, 2015. Collection method: not provided. Allele origin: germline. Inheritance: Unknown mechanism. Affected: yes.

Literature cited by the submitters: PubMed 17576681 (cited by Labcorp Genetics (formerly Invitae), Labcorp); PubMed 9536098 (cited by Labcorp Genetics (formerly Invitae), Labcorp).

NM_004104.5(FASN):c.3733-3C>T

Gene: FASN (fatty acid synthase; minus strand). Cytogenetic location: 17q25.3.
Variant type: single nucleotide variant.
Coding change: c.3733-3C>T on transcript NM_004104.5 (MANE Select); 3 bases into the intron before coding-DNA position 3733, C replaced by T.
Molecular consequence: intron variant.
Genome position (GRCh38, 1-based): chr17:82,085,874, G>A on the plus strand (C>T on the coding strand, the complement: FASN is on the minus strand). VCF-style: chr17-82085874-G-A. GRCh37 (hg19) VCF-style: chr17-80043750-G-A.
Identifiers: ClinVar variation 1495765 (VCV001495765.7), dbSNP rs373720813, ClinGen allele CA8852280.